The following is an entry in ClinVar:

ClinVar aggregate classification (germline): Uncertain significance (1 of 4 stars; one submission).

Conditions:
Perlman syndrome (PRLMNS). Identifiers: Orphanet 2849, MedGen C0796113, MONDO:0009965, OMIM 267000.

Submission:

Labcorp Genetics (formerly Invitae), Labcorp
Classification: Uncertain significance for Perlman syndrome. Last evaluated: 2022-04-16. Review status: criteria provided, single submitter. Criteria: Invitae Variant Classification Sherloc (09022015). Collection method: clinical testing. Allele origin: germline.
Comment: In summary, the available evidence is currently insufficient to determine the role of this variant in disease. Therefore, it has been classified as a Variant of Uncertain Significance. Algorithms developed to predict the effect of missense changes on protein structure and function (SIFT, PolyPhen-2, Align-GVGD) all suggest that this variant is likely to be disruptive. This variant has not been reported in the literature in individuals affected with DIS3L2-related conditions. This variant is not present in population databases (gnomAD no frequency). This sequence change replaces proline, which is neutral and non-polar, with glutamine, which is neutral and polar, at codon 612 of the DIS3L2 protein (p.Pro612Gln).

NM_152383.5(DIS3L2):c.1835C>A (p.Pro612Gln)

Gene: DIS3L2 (DIS3 like 3'-5' exoribonuclease 2; plus strand). Cytogenetic location: 2q37.1.
Variant type: single nucleotide variant.
Coding change: c.1835C>A on transcript NM_152383.5 (MANE Select); coding-DNA position 1835, C replaced by A.
Protein change: p.Pro612Gln; replaces proline 612 with glutamine.
Molecular consequence: missense variant. On other transcripts: non-coding transcript variant (2), intron variant (1).
Genome position (GRCh38, 1-based): chr2:232,329,908, C>A. VCF-style: chr2-232329908-C-A. GRCh37 (hg19) VCF-style: chr2-233194618-C-A.
Other names: c.1582-13437C>A (NM_001257281.2); short protein forms P612Q.
Identifiers: ClinVar variation 2201754 (VCV002201754.4), dbSNP rs771703300, ClinGen allele CA350976115.